The following is an entry in ClinVar:

ClinVar aggregate classification (germline): Uncertain significance (1 of 4 stars; one submission).

Conditions:
Hereditary cancer-predisposing syndrome. Also called: Neoplastic Syndromes, Hereditary; Tumor predisposition; Hereditary neoplastic syndrome; Hereditary Cancer Syndrome. Identifiers: Orphanet 140162, MedGen C0027672, MeSH D009386, MONDO:0015356.

Submission:

Ambry Genetics
Classification: Uncertain significance for Hereditary cancer-predisposing syndrome. Last evaluated: 2026-07-07. Review status: criteria provided, single submitter. Criteria: Ambry Variant Classification Scheme 2023. Collection method: clinical testing. Allele origin: germline.
Comment: The p.Q569H variant (also known as c.1707G>T), located in coding exon 5 of the AXIN2 gene, results from a G to T substitution at nucleotide position 1707. The glutamine at codon 569 is replaced by histidine, an amino acid with highly similar properties. This amino acid position is conserved. In addition, this alteration is predicted to be tolerated by in silico analysis. Based on the available evidence, the clinical significance of this variant remains unclear.

NM_004655.4(AXIN2):c.1707G>T (p.Gln569His)

Gene: AXIN2 (axin 2; minus strand). Cytogenetic location: 17q24.1.
Variant type: single nucleotide variant.
Coding change: c.1707G>T on transcript NM_004655.4 (MANE Select); coding-DNA position 1707, G replaced by T.
Protein change: p.Gln569His; replaces glutamine 569 with histidine.
Molecular consequence: missense variant.
Genome position (GRCh38, 1-based): chr17:65,537,329, C>A on the plus strand (G>T on the coding strand, the complement: AXIN2 is on the minus strand). VCF-style: chr17-65537329-C-A. GRCh37 (hg19) VCF-style: chr17-63533447-C-A.
Other names: c.1707G>T, p.Gln569His (NM_001363813.1); short protein forms Q569H.
Identifiers: ClinVar variation 5032591 (VCV005032591.1).